The following is an entry in ClinVar:

NM_005529.7(HSPG2):c.1189C>T (p.Arg397Trp)

Gene: HSPG2 (heparan sulfate proteoglycan 2; minus strand). Cytogenetic location: 1p36.12.
Variant type: single nucleotide variant.
Coding change: c.1189C>T on transcript NM_005529.7 (MANE Select); coding-DNA position 1189, C replaced by T.
Protein change: p.Arg397Trp; replaces arginine 397 with tryptophan.
Molecular consequence: missense variant.
Genome position (GRCh38, 1-based): chr1:21,885,341, G>A on the plus strand (C>T on the coding strand, the complement: HSPG2 is on the minus strand). VCF-style: chr1-21885341-G-A. GRCh37 (hg19) VCF-style: chr1-22211834-G-A.
Other names: c.1189C>T, p.Arg397Trp (NM_001291860.2); short protein forms R397W.
Identifiers: ClinVar variation 1707134 (VCV001707134.3), dbSNP rs752642571, ClinGen allele CA673545.

ClinVar aggregate classification (germline): Uncertain significance. Review status: criteria provided, multiple submitters, no conflicts (2 of 4 stars). 2 submissions from 2 submitters: Uncertain significance (2). Last evaluated 2022-09-20.

Allele frequency attached by ClinVar (database versions not stated): TOPMed 0.00003.
gnomAD v4.1: 39 of 1,613,890 alleles (0.0024%); highest among the groups gnomAD compares: South Asian, 0.03%; no homozygotes.

Submissions (2):

GeneDx
Classification: Uncertain significance. Last evaluated: 2022-09-20. Review status: criteria provided, single submitter. Criteria: GeneDx Variant Classification Process June 2021. Collection method: clinical testing. Allele origin: germline. Affected: yes.
Comment: In silico analysis supports that this missense variant has a deleterious effect on protein structure/function; Has not been previously published as pathogenic or benign to our knowledge

Labcorp Genetics (formerly Invitae), Labcorp
Classification: Uncertain significance. Last evaluated: 2022-02-09. Review status: criteria provided, single submitter. Criteria: Invitae Variant Classification Sherloc (09022015). Collection method: clinical testing. Allele origin: germline.
Comment: This sequence change replaces arginine, which is basic and polar, with tryptophan, which is neutral and slightly polar, at codon 397 of the HSPG2 protein (p.Arg397Trp). This variant is present in population databases (rs752642571, gnomAD 0.02%). This variant has not been reported in the literature in individuals affected with HSPG2-related conditions. Algorithms developed to predict the effect of missense changes on protein structure and function are either unavailable or do not agree on the potential impact of this missense change (SIFT: "Deleterious"; PolyPhen-2: "Probably Damaging"; Align-GVGD: "Class C0"). In summary, the available evidence is currently insufficient to determine the role of this variant in disease. Therefore, it has been classified as a Variant of Uncertain Significance.